The following is an entry in ClinVar:

NM_004655.4(AXIN2):c.1867A>T (p.Met623Leu)

Gene: AXIN2 (axin 2; minus strand). Cytogenetic location: 17q24.1.
Variant type: single nucleotide variant.
Coding change: c.1867A>T on transcript NM_004655.4 (MANE Select); coding-DNA position 1867, A replaced by T.
Protein change: p.Met623Leu; replaces methionine 623 with leucine.
Molecular consequence: missense variant. On other transcripts: intron variant (1).
Genome position (GRCh38, 1-based): chr17:65,536,909, T>A on the plus strand (A>T on the coding strand, the complement: AXIN2 is on the minus strand). VCF-style: chr17-65536909-T-A. GRCh37 (hg19) VCF-style: chr17-63533027-T-A.
Other names: c.1713-356A>T (NM_001363813.1); short protein forms M623L.
Identifiers: ClinVar variation 1036697 (VCV001036697.13), dbSNP rs2043932180, ClinGen allele CA400676455.
Genomic context (GRCh38, chr17:65,536,909, plus strand): 5'-CGGCGGCAAGCGGTGTTTACCTATGGGGCTTGGGCTTGCTCTGCCGCTCACTCTCCAGCA[T>A]CCACTGCCAGACATCCTGCGACCTGTCTCCTTCCTCCCGGGGAAGCTGCAGGGCCCCAGC-3'
Protein context (NP_004646.3, residues 613-633): GDRSQDVWQW[Met623Leu]LESERQSKPK

ClinVar aggregate classification (germline): Uncertain significance. Review status: criteria provided, multiple submitters, no conflicts (2 of 4 stars). 3 submissions from 3 submitters: Uncertain significance (3). Last evaluated 2025-08-01.

Conditions:
Hereditary cancer-predisposing syndrome. Also called: Neoplastic Syndromes, Hereditary; Hereditary Cancer Syndrome; Tumor predisposition; Hereditary neoplastic syndrome. Identifiers: Orphanet 140162, MedGen C0027672, MeSH D009386, MONDO:0015356.
Oligodontia-cancer predisposition syndrome. Also called: TOOTH AGENESIS-COLORECTAL CANCER SYNDROME. Identifiers: Orphanet 300576, MedGen C1837750, MONDO:0012075, OMIM 608615. Disease mechanism: loss of function.

Submissions (3):

Ambry Genetics
Classification: Uncertain significance for Hereditary cancer-predisposing syndrome. Last evaluated: 2025-08-01. Review status: criteria provided, single submitter. Criteria: Ambry Variant Classification Scheme 2023. Collection method: clinical testing. Allele origin: germline.
Comment: The p.M623L variant (also known as c.1867A>T), located in coding exon 6 of the AXIN2 gene, results from an A to T substitution at nucleotide position 1867. The methionine at codon 623 is replaced by leucine, an amino acid with highly similar properties. This amino acid position is conserved. In addition, this alteration is predicted to be tolerated by in silico analysis. Since supporting evidence is limited at this time, the clinical significance of this alteration remains unclear.

Labcorp Genetics (formerly Invitae), Labcorp
Classification: Uncertain significance for Oligodontia-cancer predisposition syndrome. Last evaluated: 2023-04-12. Review status: criteria provided, single submitter. Criteria: Invitae Variant Classification Sherloc (09022015). Collection method: clinical testing. Allele origin: germline.
Comment: This sequence change replaces methionine, which is neutral and non-polar, with leucine, which is neutral and non-polar, at codon 623 of the AXIN2 protein (p.Met623Leu). In summary, the available evidence is currently insufficient to determine the role of this variant in disease. Therefore, it has been classified as a Variant of Uncertain Significance. Advanced modeling of protein sequence and biophysical properties (such as structural, functional, and spatial information, amino acid conservation, physicochemical variation, residue mobility, and thermodynamic stability) performed at Invitae indicates that this missense variant is not expected to disrupt AXIN2 protein function. ClinVar contains an entry for this variant (Variation ID: 1036697). This variant has not been reported in the literature in individuals affected with AXIN2-related conditions. This variant is not present in population databases (gnomAD no frequency).

GeneDx
Classification: Uncertain significance. Last evaluated: 2019-07-11. Review status: criteria provided, single submitter. Criteria: GeneDx Variant Classification Process June 2021. Collection method: clinical testing. Allele origin: germline. Affected: yes.
Comment: Not observed in large population cohorts (Lek et al., 2016); In silico analysis, which includes protein predictors and evolutionary conservation, supports that this variant does not alter protein structure/function; Has not been previously published as pathogenic or benign to our knowledge